The following is an entry in ClinVar:

NM_001034116.2(EIF2B4):c.1291A>G (p.Asn431Asp)

Genes: EIF2B4 (eukaryotic translation initiation factor 2B subunit delta; minus strand), GTF3C2-AS2 (GTF3C2 antisense RNA 2; plus strand). Cytogenetic location: 2p23.3.
Variant type: single nucleotide variant.
Coding change: c.1291A>G on transcript NM_001034116.2 (MANE Select); coding-DNA position 1291, A replaced by G.
Protein change: p.Asn431Asp; replaces asparagine 431 with aspartic acid.
Molecular consequence: missense variant.
Genome position (GRCh38, 1-based): chr2:27,364,799, T>C on the plus strand (A>G on the coding strand, the complement: EIF2B4 is on the minus strand). VCF-style: chr2-27364799-T-C. GRCh37 (hg19) VCF-style: chr2-27587666-T-C.
Other names: c.1354A>G, p.Asn452Asp (NM_001318965.2); c.1246A>G, p.Asn416Asp (NM_001318966.2); c.1198A>G, p.Asn400Asp (NM_001318967.2); c.706A>G, p.Asn236Asp (NM_001318968.2); c.673A>G, p.Asn225Asp (NM_001318969.2); c.1288A>G, p.Asn430Asp (NM_015636.4); c.1351A>G, p.Asn451Asp (NM_172195.4); short protein forms N225D, N236D, N400D, N416D, N430D, N431D, N451D, N452D.
Identifiers: ClinVar variation 1803175 (VCV001803175.1), dbSNP rs2465489245, ClinGen allele CA346197086.
Genomic context (GRCh38, chr2:27,364,799, plus strand): 5'-CATCAGTCTGCACACGCTCACAGAACTTGTATGTTTCACAGCAAACCAGCACTGGTACAT[T>C]ATGGGCTCGAGCCACCAGGGCTAACTGTGCTGTCCCTACCCGTGACATCACAGACCCGTT-3'
Protein context (NP_001029288.1, residues 421-441): AQLALVARAH[Asn431Asp]VPVLVCCETY

ClinVar aggregate classification (germline): Uncertain significance (1 of 4 stars; one submission).

Conditions:
Vanishing white matter disease. Also called: CACH syndrome; Childhood ataxia with diffuse central nervous system hypomyelination; Leukoencephalopathy with vanishing white matter; CACH/VWM syndrome; Cree leukoencehalopathy. Identifiers: Orphanet 135, Orphanet 99853, MedGen C1858991, MONDO:0800448.

gnomAD v4.1: 1 of 1,614,104 alleles (0.000062%); no homozygotes.

Submission:

Genetics and Molecular Pathology, SA Pathology
Classification: Uncertain significance for Vanishing white matter disease. Last evaluated: 2021-05-14. Review status: criteria provided, single submitter. Criteria: ACMG Guidelines, 2015. Collection method: clinical testing. Allele origin: germline. Inheritance: Autosomal recessive inheritance. Affected: yes.
Comment: The EIF2B4 c.1288A>G variant is classified as VUS (PM2) This variant is absent from population databases (PM2).